The following is an entry in ClinVar:

ClinVar aggregate classification (germline): Uncertain significance (1 of 4 stars; one submission).

Allele frequency attached by ClinVar (database versions not stated): TOPMed below 0.00001; gnomAD 0.00001.
gnomAD v4.1: 1 of 1,174,827 alleles (0.000085%); highest among the groups gnomAD compares: Non-Finnish European, 0.00011%; no homozygotes.

Submission:

GeneDx
Classification: Uncertain significance. Last evaluated: 2019-09-30. Review status: criteria provided, single submitter. Criteria: GeneDx Variant Classification Process June 2021. Collection method: clinical testing. Allele origin: germline. Affected: yes.
Comment: Not observed in large population cohorts (Lek et al., 2016); In silico analysis, which includes protein predictors and evolutionary conservation, supports that this variant does not alter protein structure/function; Has not been previously published as pathogenic or benign to our knowledge

NM_006517.5(SLC16A2):c.82A>G (p.Ser28Gly)

Gene: SLC16A2 (solute carrier family 16 member 2; plus strand). Cytogenetic location: Xq13.2.
Variant type: single nucleotide variant.
Coding change: c.82A>G on transcript NM_006517.5 (MANE Select); coding-DNA position 82, A replaced by G.
Protein change: p.Ser28Gly; replaces serine 28 with glycine.
Molecular consequence: missense variant.
Genome position (GRCh38, 1-based): chrX:74,421,719, A>G. VCF-style: chrX-74421719-A-G. GRCh37 (hg19) VCF-style: chrX-73641554-A-G.
Other names: short protein forms S28G.
Identifiers: ClinVar variation 1308879 (VCV001308879.2), dbSNP rs1276852583, ClinGen allele CA413655740.